The following is an entry in ClinVar:

NM_000642.3(AGL):c.188G>A (p.Arg63His)

Gene: AGL (amylo-alpha-1,6-glucosidase and 4-alpha-glucanotransferase; plus strand). Cytogenetic location: 1p21.2.
Variant type: single nucleotide variant.
Coding change: c.188G>A on transcript NM_000642.3 (MANE Select); coding-DNA position 188, G replaced by A.
Protein change: p.Arg63His; replaces arginine 63 with histidine.
Molecular consequence: missense variant.
Genome position (GRCh38, 1-based): chr1:99,861,608, G>A. VCF-style: chr1-99861608-G-A. GRCh37 (hg19) VCF-style: chr1-100327164-G-A.
Other names: c.188G>A, p.Arg63His (NM_000028.3, NM_000643.3, NM_000644.3 and 5 more transcripts); c.140G>A, p.Arg47His (NM_000646.3); short protein forms R47H, R63H.
Identifiers: ClinVar variation 967438 (VCV000967438.12), dbSNP rs199958942, ClinGen allele CA966082.

ClinVar aggregate classification (germline): Uncertain significance. Review status: criteria provided, multiple submitters, no conflicts (2 of 4 stars). 5 submissions from 5 submitters: Uncertain significance (4). 1 of the submissions does not count toward it. Last evaluated 2022-09-01.

Conditions:
Glycogen storage disease type III (GSD3). Also called: FORBES DISEASE; Cori disease. Identifiers: Orphanet 366, MedGen C0017922, MONDO:0009291, OMIM 232400.
Inborn genetic diseases. Identifiers: MedGen C0950123, MeSH D030342.

Allele frequency attached by ClinVar (database versions not stated): gnomAD 0.00006 and 0.00007; ExAC 0.00007; gnomAD exomes 0.00007; TOPMed 0.00009; 1000 Genomes Project 30x 0.00016; 1000 Genomes Project 0.00020.
gnomAD v4.1: 90 of 1,613,802 alleles (0.0056%); highest among the groups gnomAD compares: African/African-American, 0.016%; no homozygotes.

Submissions (5):

Labcorp Genetics (formerly Invitae), Labcorp
Classification: Uncertain significance for Glycogen storage disease type III. Last evaluated: 2022-09-01. Review status: criteria provided, single submitter. Criteria: Invitae Variant Classification Sherloc (09022015). Collection method: clinical testing. Allele origin: germline.
Comment: This sequence change replaces arginine, which is basic and polar, with histidine, which is basic and polar, at codon 63 of the AGL protein (p.Arg63His). The frequency data for this variant in the population databases is considered unreliable, as metrics indicate poor data quality at this position in the gnomAD database. This variant has not been reported in the literature in individuals affected with AGL-related conditions. ClinVar contains an entry for this variant (Variation ID: 967438). Algorithms developed to predict the effect of missense changes on protein structure and function output the following: SIFT: "Tolerated"; PolyPhen-2: "Benign"; Align-GVGD: "Class C0". The histidine amino acid residue is found in multiple mammalian species, which suggests that this missense change does not adversely affect protein function. In summary, the available evidence is currently insufficient to determine the role of this variant in disease. Therefore, it has been classified as a Variant of Uncertain Significance.

Ambry Genetics
Classification: Uncertain significance for Inborn genetic diseases. Last evaluated: 2022-02-10. Review status: criteria provided, single submitter. Criteria: Ambry Variant Classification Scheme 2023. Collection method: clinical testing. Allele origin: germline.

Genome-Nilou Lab
Classification: Uncertain significance for Glycogen storage disease type III. Last evaluated: 2021-07-15. Review status: criteria provided, single submitter. Criteria: ACMG Guidelines, 2015. Collection method: clinical testing. Allele origin: germline. Affected: no.

Baylor Genetics
Classification: Uncertain significance for Glycogen storage disease type III. Last evaluated: 2018-10-11. Review status: criteria provided, single submitter. Criteria: ACMG Guidelines, 2015. Collection method: clinical testing. Allele origin: unknown. Affected: yes.
Comment: This variant was determined to be of uncertain significance according to ACMG Guidelines, 2015 [PMID:25741868].

Natera, Inc.
Classification: Uncertain significance for Glycogen storage disease type III. Last evaluated: 2020-01-17. Review status: no assertion criteria provided. Collection method: clinical testing. Allele origin: germline. Not counted in ClinVar's aggregate classification.